The following is an entry in ClinVar:

NM_001142864.4(PIEZO1):c.6473A>G (p.Lys2158Arg)

Gene: PIEZO1 (piezo type mechanosensitive ion channel component 1 (Er blood group); minus strand). Cytogenetic location: 16q24.3.
Variant type: single nucleotide variant.
Coding change: c.6473A>G on transcript NM_001142864.4 (MANE Select); coding-DNA position 6473, A replaced by G.
Protein change: p.Lys2158Arg; replaces lysine 2158 with arginine.
Molecular consequence: missense variant.
Genome position (GRCh38, 1-based): chr16:88,717,210, T>C on the plus strand (A>G on the coding strand, the complement: PIEZO1 is on the minus strand). VCF-style: chr16-88717210-T-C. GRCh37 (hg19) VCF-style: chr16-88783618-T-C.
Other names: p.Lys2158Arg; short protein forms K2158R.
Identifiers: ClinVar variation 1306254 (VCV001306254.32), dbSNP rs200506892, ClinGen allele CA8231570.

ClinVar aggregate classification (germline): Conflicting classifications of pathogenicity. Review status: criteria provided, conflicting classifications (1 of 4 stars). 8 submissions from 8 submitters: Uncertain significance (6); Likely benign (2). Last evaluated 2026-09-01.

Conditions:
Inborn genetic diseases. Identifiers: MedGen C0950123, MeSH D030342.
Lymphatic malformation 6 (LMPHM6). Also called: GENERALIZED LYMPHATIC DYSPLASIA OF FOTIOU; Lymphedema, hereditary, III; PIEZO1-related generalized lymphatic dysplasia with non-immune hydrops fetalis. Identifiers: Orphanet 568062, MedGen C4225184, MONDO:0014797, OMIM 616843.

Allele frequency attached by ClinVar (database versions not stated): ExAC 0.00034; gnomAD 0.00036 and 0.00037; ESP Exome Variant Server 0.00088.
gnomAD v4.1: 649 of 1,548,386 alleles (0.042%); highest among the groups gnomAD compares: Non-Finnish European, 0.054%; 1 homozygote.

Submissions (8):

CeGaT Center for Human Genetics Tuebingen
Classification: Uncertain significance. Last evaluated: 2026-09-01. Review status: criteria provided, single submitter. Criteria: CeGaT Center For Human Genetics Tuebingen Variant Classification Criteria Version 2. Collection method: clinical testing. Allele origin: germline. Affected: yes. Observed: 2 variant alleles.
Comment: PIEZO1: PM3, PM2:Supporting

Labcorp Genetics (formerly Invitae), Labcorp
Classification: Uncertain significance. Last evaluated: 2025-12-23. Review status: criteria provided, single submitter. Criteria: Invitae Variant Classification Sherloc (09022015). Collection method: clinical testing. Allele origin: germline.
Comment: This sequence change replaces lysine, which is basic and polar, with arginine, which is basic and polar, at codon 2158 of the PIEZO1 protein (p.Lys2158Arg). This variant is present in population databases (rs200506892, gnomAD 0.08%). This missense change has been observed in individual(s) with PIEZO1-related conditions (PMID: 36959127). ClinVar contains an entry for this variant (Variation ID: 1306254). An algorithm developed to predict the effect of missense changes on protein structure and function outputs the following: PolyPhen-2: "Possibly Damaging". The arginine amino acid residue is found in multiple mammalian species, which suggests that this missense change does not adversely affect protein function. In summary, the available evidence is currently insufficient to determine the role of this variant in disease. Therefore, it has been classified as a Variant of Uncertain Significance.

Clinical Genomics Laboratory, Washington University in St. Louis
Classification: Uncertain significance for Lymphatic malformation 6. Last evaluated: 2025-11-06. Review status: criteria provided, single submitter. Criteria: ACMG Guidelines, 2015. Collection method: clinical testing. Allele origin: germline.
Comment: A PIEZO1 c.6473A>G (p.Lys2158Arg) variant was identified at a near heterozygous allelic fraction of 44.5%, a frequency which may be consistent with it being of germline origin. The PIEZO1 c.6473A>G (p.Lys2158Arg) variant, to our knowledge, has not been reported in the medical literature. This variant is observed in 649/1,548,386 alleles in the general population (gnomAD v4.1.0), including one individual in homozygous state. Computational predictors suggest that the variant does not impact PIEZO1 function. Due to limited information, and based on ACMG/AMP guidelines for variant interpretation (Richards S et al., PMID: 25741868), the clinical significance of this variant is uncertain at this time.

Mayo Clinic Laboratories, Mayo Clinic
Classification: Uncertain significance. Last evaluated: 2025-07-16. Review status: criteria provided, single submitter. Criteria: ACMG Guidelines, 2015. Collection method: clinical testing. Allele origin: germline. Observed: 3 variant alleles.
Comment: BP4_moderate, PM2_supporting

Blueprint Genetics
Classification: Likely benign. Last evaluated: 2024-11-22. Review status: criteria provided, single submitter. Criteria: ACMG Guidelines, 2015. Collection method: clinical testing. Allele origin: germline.

Revvity Omics, Revvity
Classification: Likely benign. Last evaluated: 2023-03-02. Review status: criteria provided, single submitter. Criteria: ACMG Guidelines, 2015. Collection method: clinical testing. Allele origin: germline.

GeneDx
Classification: Uncertain significance. Last evaluated: 2022-01-26. Review status: criteria provided, single submitter. Criteria: GeneDx Variant Classification Process June 2021. Collection method: clinical testing. Allele origin: germline. Affected: yes.
Comment: In silico analysis, which includes protein predictors and evolutionary conservation, supports that this variant does not alter protein structure/function; In addition, in silico splice predictors suggest this variant may impact gene splicing. In the absence of RNA/functional studies, the actual effect of this sequence change is unknown.; Has not been previously published as pathogenic or benign to our knowledge

Ambry Genetics
Classification: Uncertain significance for Inborn genetic diseases. Last evaluated: 2021-08-09. Review status: criteria provided, single submitter. Criteria: Ambry Variant Classification Scheme 2023. Collection method: clinical testing. Allele origin: germline.

Literature cited by the submitters: PubMed 36959127 (cited by Labcorp Genetics (formerly Invitae), Labcorp).